The following continues an entry in ClinVar:

NM_020975.6(RET):c.1859G>C (p.Cys620Ser)

Gene: RET. ClinVar aggregate classification (germline): Pathogenic. Pathogenic (9).

Submissions 7 to 10 of 10:

ARUP Laboratories, Molecular Genetics and Genomics, ARUP Laboratories
Classification: Pathogenic. Last evaluated: 2017-07-31. Review status: criteria provided, single submitter. Criteria: ARUP Molecular Germline Variant Investigation Process. Collection method: clinical testing. Allele origin: germline.
Comment: The RET c.1859G>C, p.Cys620Ser variant (rs77503355) has been reported in the literature to be associated with multiple endocrine neoplasia type 2A (MEN2A), familial medullary thyroid carcinoma (FMTC) and Hirshsprung's disease (Borrego 1998, Fernandez 2003, Frank-Raue 2011, Igarashi 2014, Lore 2000, Lore 2001, Machens 2008, Romeo 1998, Wells 2015). Other missense variants at this and adjacent residues have been implicated in MEN2A, FMTC and/or Hirshsprung's disease (Wells 2015). The p.Cys620Ser variant has been listed as pathogenic in ClinVar (Variation ID: 13943), considered a variant of moderate risk (Wells 2015), and not observed in the general population databases (1000 Genomes Project, Exome Variant Server, Genome Aggregation Database). Based on the above information, the variant is classified as pathogenic. References: Borrego S et al. Molecular analysis of the ret and GDNF genes in a family with multiple endocrine neoplasia type 2A and Hirschsprung disease. J Clin Endocrinol Metab. 1998; 83(9):3361-4. Fernandez R et al. The RET C620S mutation causes multiple endocrine neoplasia type 2A (MEN2A) but not Hirschsprung disease (HSCR) in a family cosegregating both phenotypes. Hum Mutat. 2003; 22(5):412-5. Frank-Raue K et al. Risk profiles and penetrance estimations in multiple endocrine neoplasia type 2A caused by germline RET mutations located in exon 10. Hum Mutat. 2011; 32(1):51-8. Igarashi T et al. An extended family with familial medullary thyroid carcinoma and Hirschsprung's disease. J Nippon Med Sch. 2014; 81(2):64-9. Lore F et al. Unilateral renal agenesis in a family with medullary thyroid carcinoma. N Engl J Med. 2000; 342(16):1218-9. Lore F et al. Multiple endocrine neoplasia type 2 syndromes may be associated with renal malformations. J Intern Med. 2001; 250(1):37-42. Machens A et al. Familial prevalence and age of RET germline mutations: implications for screening. Clin Endocrinol (Oxf). 2008; 69(1):81-7. Romeo G et al. Association of multiple endocrine neoplasia type 2 and Hirschsprung disease. J Intern Med. 1998; 243(6):515-20. Wells S et al. Revised American Thyroid Association Guidelines for the Management of Medullary Thyroid Carcinoma. Thyroid. 2015; 25(6):567-610.

GeneDx
Classification: Pathogenic. Last evaluated: 2017-05-02. Review status: criteria provided, single submitter. Criteria: GeneDx Variant Classification (06012015). Collection method: clinical testing. Allele origin: germline. Affected: yes.
Comment: The C620S missense variant in the RET gene has been reported many times in association with multiple endocrine neoplasia type 2 (MEN2), familial medullary thyroid cancer (FMTC), and Hirschsprung disease (for examples, see Schuffenecker et al., 1994; Borrego et al., 1998; Frank-Raue et al., 2011; Igarashi et al., 2014). Of note, variants involving the Cysteine codon at position 620 have been reported to be associated with a higher incidence of pheochromocytoma and hyperparathyroidism (Yip et al., 2003). Based on currently available evidence, we consider C620S to be pathogenic.

Quest Diagnostics Nichols Institute San Juan Capistrano
Classification: Pathogenic. Last evaluated: 2013-10-13. Review status: criteria provided, single submitter. Criteria: Quest Diagnostics criteria. Collection method: clinical testing. Allele origin: unknown.
Comment: It has not been reported in large, multi-ethnic general populations. The variant is located at one of the hot spots for variants associated with FMTC and MEN2A. Additionally, the variant has been identified in individuals affected with multiple endocrine neoplasia type 2 (MEN2), and familial medullary thyroid cancer (FMTC) (PMID: 20979234) (2011), 18062802 (2008), 14517954 (2003), 10549772 (1999), 9745455 (1998), 7874109 (1994)). Based on the available information, this variant is classified as pathogenic.

OMIM
Classification: Pathogenic for THYROID CARCINOMA, FAMILIAL MEDULLARY. Last evaluated: 2001-07-01. Review status: no assertion criteria provided. Collection method: literature only. Allele origin: germline. Not counted in ClinVar's aggregate classification.

Literature cited by the submitters: PubMed 10549772 (cited by 3 submitters); PubMed 10777380 (cited by 5 submitters); PubMed 20979234 (cited by 6 submitters); PubMed 24805091 (cited by 5 submitters); PubMed 33827484 (cited by Mayo Clinic Laboratories, Mayo Clinic and All of Us Research Program, National Institutes of Health); PubMed 37529773 (cited by Mayo Clinic Laboratories, Mayo Clinic and All of Us Research Program, National Institutes of Health); PubMed 7874109 (cited by 6 submitters); PubMed 9681852 (cited by Mayo Clinic Laboratories, Mayo Clinic and Myriad Genetics, Inc.); PubMed 9745455 (cited by Mayo Clinic Laboratories, Mayo Clinic and Quest Diagnostics Nichols Institute San Juan Capistrano); PubMed 9230192 (cited by 3 submitters); PubMed 11471675 (cited by Labcorp Genetics (formerly Invitae), Labcorp and All of Us Research Program, National Institutes of Health); PubMed 14517954 (cited by 3 submitters); PubMed 8909322 (cited by Labcorp Genetics (formerly Invitae), Labcorp); PubMed 16705552 (cited by Labcorp Genetics (formerly Invitae), Labcorp); PubMed 21765987 (cited by Labcorp Genetics (formerly Invitae), Labcorp); PubMed 11454140 (cited by All of Us Research Program, National Institutes of Health and OMIM); PubMed 18062802 (cited by All of Us Research Program, National Institutes of Health and Quest Diagnostics Nichols Institute San Juan Capistrano); PubMed 28946813 (cited by All of Us Research Program, National Institutes of Health); PubMed 29656518 (cited by All of Us Research Program, National Institutes of Health and Ambry Genetics); PubMed 22584715 (cited by Myriad Genetics, Inc.); PubMed 25810047 (cited by Myriad Genetics, Inc.).